The following is an entry in ClinVar:

NM_000038.6(APC):c.5976C>T (p.Pro1992=)

Gene: APC (APC regulator of Wnt signaling pathway; plus strand). Cytogenetic location: 5q22.2.
Variant type: single nucleotide variant.
Coding change: c.5976C>T on transcript NM_000038.6 (MANE Select); coding-DNA position 5976, C replaced by T.
Protein change: p.Pro1992=; no amino-acid change (proline 1992 retained).
Molecular consequence: synonymous variant.
Genome position (GRCh38, 1-based): chr5:112,841,570, C>T. VCF-style: chr5-112841570-C-T. GRCh37 (hg19) VCF-style: chr5-112177267-C-T.
Other names: c.5976C>T, p.Pro1992= (NM_001127510.3, NM_001354895.2); c.5922C>T, p.Pro1974= (NM_001127511.3); c.6030C>T, p.Pro2010= (NM_001354896.2); c.6006C>T, p.Pro2002= (NM_001354897.2); c.5901C>T, p.Pro1967= (NM_001354898.2); c.5892C>T, p.Pro1964= (NM_001354899.2); c.5853C>T, p.Pro1951= (NM_001354900.2); c.5799C>T, p.Pro1933= (NM_001354901.2); and 5 more.
Identifiers: ClinVar variation 416737 (VCV000416737.16), dbSNP rs768878237, ClinGen allele CA16611719.

ClinVar aggregate classification (germline): Likely benign. Review status: criteria provided, multiple submitters, no conflicts (2 of 4 stars). 3 submissions from 3 submitters: Likely benign (3). Last evaluated 2023-12-18.

Conditions:
Familial adenomatous polyposis 1 (FAP1). Also called: FAMILIAL ADENOMATOUS POLYPOSIS 1, ATTENUATED; POLYPOSIS, ADENOMATOUS INTESTINAL. Identifiers: MedGen C2713442, MONDO:0021056, OMIM 175100. Disease mechanism: loss of function.
Classic or attenuated familial adenomatous polyposis. Identifiers: MedGen CN372698, MONDO:0021057.
Hereditary cancer-predisposing syndrome. Also called: Tumor predisposition; Neoplastic Syndromes, Hereditary; Hereditary neoplastic syndrome; Hereditary Cancer Syndrome. Identifiers: Orphanet 140162, MedGen C0027672, MeSH D009386, MONDO:0015356.

Submissions (3):

All of Us Research Program, National Institutes of Health
Classification: Likely benign for Classic or attenuated familial adenomatous polyposis. Last evaluated: 2023-12-18. Review status: criteria provided, single submitter. Criteria: ACMG Guidelines, 2015. Collection method: clinical testing. Allele origin: germline. Inheritance: Autosomal dominant inheritance. Observed: 1 variant allele, 1 heterozygote.
Comment: This study involves interpretation of variants in research participants for the purpose of population health screening. Participant phenotype was not available at the time of variant classification. Additional details can be found in publication PMID: 35346344, PMCID: PMC8962531

Ambry Genetics
Classification: Likely benign for Hereditary cancer-predisposing syndrome. Last evaluated: 2022-11-30. Review status: criteria provided, single submitter. Criteria: Ambry Variant Classification Scheme 2023. Collection method: clinical testing. Allele origin: germline.

Labcorp Genetics (formerly Invitae), Labcorp
Classification: Likely benign for Familial adenomatous polyposis 1. Last evaluated: 2020-09-21. Review status: criteria provided, single submitter. Criteria: Invitae Variant Classification Sherloc (09022015). Collection method: clinical testing. Allele origin: germline.